The following is an entry in ClinVar:

NM_000455.5(STK11):c.-50_-43del

Gene: STK11 (serine/threonine kinase 11; plus strand). Cytogenetic location: 19p13.3.
Variant type: Deletion.
Coding change: c.-50_-43del on transcript NM_000455.5 (MANE Select); 50 bases upstream of the start codon through 43 bases upstream of the start codon, 8 bases deleted (CACCCGCG; older notation c.-50_-43delCACCCGCG).
Molecular consequence: 5 prime UTR variant.
Genome position (GRCh38, 1-based): chr19:1,206,864-1,206,871, CACCCGCG deleted. VCF-style (leftmost placement, unchanged base first): chr19-1206863-TCACCCGCG-T. GRCh37 (hg19) VCF-style: chr19-1206862-TCACCCGCG-T.
Other names: c.-50_-43delCACCCGCG (NM_000455.4).
Identifiers: ClinVar variation 421099 (VCV000421099.1), dbSNP rs1064794909, ClinGen allele CA16620741.

ClinVar aggregate classification (germline): Likely benign (1 of 4 stars; one submission).

Submission:

GeneDx
Classification: Likely benign. Last evaluated: 2016-05-16. Review status: criteria provided, single submitter. Criteria: GeneDx Variant Classification (06012015). Collection method: clinical testing. Allele origin: germline. Affected: yes.
Comment: This variant is considered likely benign or benign based on one or more of the following criteria: it is a conservative change, it occurs at a poorly conserved position in the protein, it is predicted to be benign by multiple in silico algorithms, and/or has population frequency not consistent with disease.